The following is an entry in ClinVar:

ClinVar aggregate classification (germline): Benign/Likely benign. Review status: criteria provided, multiple submitters, no conflicts (2 of 4 stars). 4 submissions from 4 submitters: Benign (2); Likely benign (2). Last evaluated 2026-01-22.

Conditions:
Thrombomodulin-related bleeding disorder (THPH12). Also called: Thrombophilia due to thrombomodulin defect. Identifiers: Orphanet 436169, MedGen C3280976, MONDO:0013775, OMIM 614486.
Atypical hemolytic-uremic syndrome with thrombomodulin anomaly. Also called: HEMOLYTIC UREMIC SYNDROME, ATYPICAL, SUSCEPTIBILITY TO, 6; AHUS, SUSCEPTIBILITY TO, 6. Identifiers: MedGen C2752036, MONDO:0013044, OMIM 612926. Disease mechanism: gain of function.

Allele frequency attached by ClinVar (database versions not stated): gnomAD 0.00002 and 0.00008; TOPMed 0.00003; gnomAD exomes 0.00013 and 0.00030; 1000 Genomes Project 0.00060; 1000 Genomes Project 30x 0.00062; ExAC 0.00125.

Submissions (4):

Labcorp Genetics (formerly Invitae), Labcorp
Classification: Benign. Last evaluated: 2026-01-22. Review status: criteria provided, single submitter. Criteria: Invitae Variant Classification Sherloc (09022015). Collection method: clinical testing. Allele origin: germline.

Genomenon, Inc
Classification: Likely benign for Thrombomodulin-related bleeding disorder. Last evaluated: 2025-09-22. Review status: criteria provided, single submitter. Criteria: Genomenon Sequence Variant Interpretation Standards - Updated. Collection method: curation. Allele origin: germline. Affected: no.
Comment: THBD p.Glu181= (c.543G>A) is a synonymous variant that retains Glutamic acid at residue 181. This variant has been reported in the published literature (PMID:10102456;10460600;12431475). This synonymous variant is not predicted to impact splicing and does not affect a conserved nucleotide. This variant’s allele frequency in gnomAD is greater than expected for this disorder. In conclusion, we classify THBD p.Glu181= (c.543G>A) as a likely benign variant.

Blueprint Genetics
Classification: Likely benign. Last evaluated: 2024-08-06. Review status: criteria provided, single submitter. Criteria: ACMG Guidelines, 2015. Collection method: clinical testing. Allele origin: germline.

Illumina Laboratory Services, Illumina
Classification: Benign for Atypical hemolytic-uremic syndrome with thrombomodulin anomaly. Last evaluated: 2018-01-12. Review status: criteria provided, single submitter. Criteria: ICSL Variant Classification Criteria 13 December 2019. Collection method: clinical testing. Allele origin: germline.
Comment: This variant was observed in the ICSL laboratory as part of a predisposition screen in an ostensibly healthy population. It had not been previously curated by ICSL or reported in the Human Gene Mutation Database (HGMD: prior to June 1st, 2018), and was therefore a candidate for classification through an automated scoring system. Utilizing variant allele frequency, disease prevalence and penetrance estimates, and inheritance mode, an automated score was calculated to assess if this variant is too frequent to cause the disease. Based on the score and internal cut-off values, a variant classified as benign is not then subjected to further curation. The score for this variant resulted in a classification of benign for this disease.

Literature cited by the submitters: PubMed 10102456 (cited by Genomenon, Inc); PubMed 10460600 (cited by Genomenon, Inc); PubMed 12431475 (cited by Genomenon, Inc).

NM_000361.3(THBD):c.543G>A (p.Glu181=)

Gene: THBD (thrombomodulin; minus strand). Cytogenetic location: 20p11.21.
Variant type: single nucleotide variant.
Coding change: c.543G>A on transcript NM_000361.3 (MANE Select); coding-DNA position 543, G replaced by A.
Protein change: p.Glu181=; no amino-acid change (glutamic acid 181 retained).
Molecular consequence: synonymous variant.
Genome position (GRCh38, 1-based): chr20:23,048,962, C>T on the plus strand (G>A on the coding strand, the complement: THBD is on the minus strand). VCF-style: chr20-23048962-C-T. GRCh37 (hg19) VCF-style: chr20-23029599-C-T.
Identifiers: ClinVar variation 897136 (VCV000897136.13), dbSNP rs542108654, ClinGen allele CA9787723.